The following is an entry in ClinVar:

ClinVar aggregate classification (germline): Conflicting classifications of pathogenicity. Review status: criteria provided, conflicting classifications (1 of 4 stars). 4 submissions from 4 submitters: Uncertain significance (1); Likely benign (2). 1 of the submissions does not count toward it. Last evaluated 2025-09-19.

Conditions:
CCDC141-related disorder. Also called: CCDC141-related condition.

Allele frequency attached by ClinVar (database versions not stated): gnomAD exomes 0.00011 and 0.00021; 1000 Genomes Project 30x 0.00062; TOPMed 0.00128; 1000 Genomes Project 0.00040; gnomAD 0.00125 and 0.00113; ExAC 0.00024.
gnomAD v4.1: 327 of 1,541,122 alleles (0.021%); highest among the groups gnomAD compares: African/African-American, 0.41%; no homozygotes.

Submissions (4):

Labcorp Genetics (formerly Invitae), Labcorp
Classification: Likely benign. Last evaluated: 2025-09-19. Review status: criteria provided, single submitter. Criteria: Invitae Variant Classification Sherloc (09022015). Collection method: clinical testing. Allele origin: germline.

Ambry Genetics
Classification: Uncertain significance. Last evaluated: 2025-08-03. Review status: criteria provided, single submitter. Criteria: Ambry Variant Classification Scheme 2023. Collection method: clinical testing. Allele origin: germline.

Breakthrough Genomics
Classification: Likely benign. Review status: criteria provided, single submitter. Criteria: ACMG Guidelines, 2015. Collection method: not provided. Allele origin: germline. Inheritance: Unknown mechanism. Affected: yes.

PreventionGenetics, part of Exact Sciences
Classification: Likely benign for CCDC141-related condition. Last evaluated: 2022-02-18. Review status: no assertion criteria provided. Collection method: clinical testing. Allele origin: germline. Not counted in ClinVar's aggregate classification.
Comment: This variant is classified as likely benign based on ACMG/AMP sequence variant interpretation guidelines (Richards et al. 2015 PMID: 25741868, with internal and published modifications).

NM_173648.4(CCDC141):c.202G>A (p.Glu68Lys)

Gene: CCDC141 (coiled-coil domain containing 141; minus strand). Cytogenetic location: 2q31.2.
Variant type: single nucleotide variant.
Coding change: c.202G>A on transcript NM_173648.4 (MANE Select); coding-DNA position 202, G replaced by A.
Protein change: p.Glu68Lys; replaces glutamic acid 68 with lysine.
Molecular consequence: missense variant.
Genome position (GRCh38, 1-based): chr2:179,047,307, C>T on the plus strand (G>A on the coding strand, the complement: CCDC141 is on the minus strand). VCF-style: chr2-179047307-C-T. GRCh37 (hg19) VCF-style: chr2-179912034-C-T.
Other names: c.202G>A, p.Glu68Lys (NM_001316745.2); short protein forms E68K.
Identifiers: ClinVar variation 767833 (VCV000767833.14), dbSNP rs540836199, ClinGen allele CA2007347.
Genomic context (GRCh38, chr2:179,047,307, plus strand): 5'-TTTAATTTTGTTTCTGCTTCACATCTTAGTATCTTACCTTGAGCTTGGCCAAAAGAAGTT[C>T]ATGATCATGAAGAAGTTTTTTGGTTTCATCTTGACTGCTGCCAATTTCTAGAAGATTGGG-3'
Protein context (NP_775919.3, residues 58-78): DETKKLLHDH[Glu68Lys]LLLAKLKALE